The following is an entry in ClinVar:

ClinVar aggregate classification (germline): Uncertain significance (1 of 4 stars; one submission).

Allele frequency attached by ClinVar (database versions not stated): TOPMed below 0.00001.

Submission:

Ambry Genetics
Classification: Uncertain significance. Last evaluated: 2022-06-18. Review status: criteria provided, single submitter. Criteria: Ambry Variant Classification Scheme 2023. Collection method: clinical testing. Allele origin: germline.
Comment: The p.R911K variant (also known as c.2732G>A), located in coding exon 13 of the NPAT gene, results from a G to A substitution at nucleotide position 2732. The arginine at codon 911 is replaced by lysine, an amino acid with highly similar properties. This amino acid position is conserved. In addition, this alteration is predicted to be tolerated by in silico analysis. Since supporting evidence is limited at this time, the clinical significance of this alteration remains unclear.

NM_002519.3(NPAT):c.2732G>A (p.Arg911Lys)

Gene: NPAT (nuclear protein, coactivator of histone transcription; minus strand). Cytogenetic location: 11q22.3.
Variant type: single nucleotide variant.
Coding change: c.2732G>A on transcript NM_002519.3 (MANE Select); coding-DNA position 2732, G replaced by A.
Protein change: p.Arg911Lys; replaces arginine 911 with lysine.
Molecular consequence: missense variant.
Genome position (GRCh38, 1-based): chr11:108,172,252, C>T on the plus strand (G>A on the coding strand, the complement: NPAT is on the minus strand). VCF-style: chr11-108172252-C-T. GRCh37 (hg19) VCF-style: chr11-108042979-C-T.
Other names: c.2732G>A, p.Arg911Lys (NM_001321307.1); short protein forms R911K.
Identifiers: ClinVar variation 1795306 (VCV001795306.2), dbSNP rs2077958345, ClinGen allele CA382512357.